The following is an entry in ClinVar:

NM_000548.5(TSC2):c.3687G>A (p.Gln1229=)

Gene: TSC2 (TSC complex subunit 2; plus strand). Cytogenetic location: 16p13.3.
Variant type: single nucleotide variant.
Coding change: c.3687G>A on transcript NM_000548.5 (MANE Select); coding-DNA position 3687, G replaced by A.
Protein change: p.Gln1229=; no amino-acid change (glutamine 1229 retained).
Molecular consequence: synonymous variant.
Genome position (GRCh38, 1-based): chr16:2,081,671, G>A. VCF-style: chr16-2081671-G-A. GRCh37 (hg19) VCF-style: chr16-2131672-G-A.
Other names: c.3555G>A, p.Gln1185= (NM_001077183.3, NM_001370404.1); c.3687G>A, p.Gln1229= (NM_001114382.3); c.3447G>A, p.Gln1149= (NM_001318827.2); c.3411G>A, p.Gln1137= (NM_001318829.2); c.2955G>A, p.Gln985= (NM_001318831.2); c.3588G>A, p.Gln1196= (NM_001318832.2); c.3558G>A, p.Gln1186= (NM_001363528.2, NM_001370405.1, NM_021055.3).
Identifiers: ClinVar variation 468032 (VCV000468032.15), dbSNP rs140384709, ClinGen allele CA276750053.
Genomic context (GRCh38, chr16:2,081,671, plus strand): 5'-GATGAGCCTGGAGAACCCGCTCAGCCCTTTCTCCTCGGACATCAACAACATGCCCCTGCA[G>A]GAGCTGTCTAACGCCCTCATGGCGGCTGAGCGCTTCAAGGAGCACCGGGACACAGCCCTG-3'
Protein context (NP_000539.2, residues 1219-1239): FSSDINNMPL[Gln1229=]ELSNALMAAE

ClinVar aggregate classification (germline): Benign/Likely benign. Review status: criteria provided, multiple submitters, no conflicts (2 of 4 stars). 4 submissions from 4 submitters: Benign (1); Likely benign (3). Last evaluated 2025-05-30.

Conditions:
Tuberous sclerosis 2 (TSC2). Identifiers: Orphanet 805, MedGen C1860707, MONDO:0013199, OMIM 613254.
Tuberous sclerosis syndrome (TSC). Also called: Tuberous Sclerosis Complex; Tuberous sclerosis. Identifiers: Orphanet 805, MedGen C0041341, MONDO:0001734.
Hereditary cancer-predisposing syndrome. Also called: Hereditary neoplastic syndrome; Neoplastic Syndromes, Hereditary; Tumor predisposition; Hereditary Cancer Syndrome. Identifiers: Orphanet 140162, MedGen C0027672, MeSH D009386, MONDO:0015356.

Allele frequency attached by ClinVar (database versions not stated): gnomAD 0.00001; ESP Exome Variant Server 0.00008; 1000 Genomes Project 0.00020; gnomAD exomes below 0.00001; TOPMed below 0.00001; 1000 Genomes Project 30x 0.00031.
gnomAD v4.1: 6 of 1,612,996 alleles (0.00037%); highest among the groups gnomAD compares: Non-Finnish European, 0.00051%; no homozygotes.

Submissions (4):

Myriad Genetics, Inc.
Classification: Benign for Tuberous sclerosis 2. Last evaluated: 2025-05-30. Review status: criteria provided, single submitter. Criteria: Myriad Autosomal Dominant, Autosomal Recessive and X-Linked Classification Criteria (2023). Collection method: clinical testing. Allele origin: unknown.
Comment: This variant is considered benign. This variant is a silent/synonymous amino acid change and it is not expected to impact splicing.

Labcorp Genetics (formerly Invitae), Labcorp
Classification: Likely benign for Tuberous sclerosis 2. Last evaluated: 2023-12-03. Review status: criteria provided, single submitter. Criteria: Invitae Variant Classification Sherloc (09022015). Collection method: clinical testing. Allele origin: germline.

All of Us Research Program, National Institutes of Health
Classification: Likely benign for Tuberous sclerosis syndrome. Last evaluated: 2023-04-28. Review status: criteria provided, single submitter. Criteria: ACMG Guidelines, 2015. Collection method: clinical testing. Allele origin: germline. Inheritance: Autosomal dominant inheritance. Observed: 1 variant allele, 1 heterozygote.
Comment: This study involves interpretation of variants in research participants for the purpose of population health screening. Participant phenotype was not available at the time of variant classification. Additional details can be found in publication PMID: 35346344, PMCID: PMC8962531

Ambry Genetics
Classification: Likely benign for Hereditary cancer-predisposing syndrome. Last evaluated: 2023-02-02. Review status: criteria provided, single submitter. Criteria: Ambry Variant Classification Scheme 2023. Collection method: clinical testing. Allele origin: germline.